The following is an entry in ClinVar:

NM_199420.4(POLQ):c.52G>T (p.Asp18Tyr)

Genes: POLQ (DNA polymerase theta; minus strand), LOC112872292 (Sharpr-MPRA regulatory region 30; plus strand). Cytogenetic location: 3q13.33.
Variant type: single nucleotide variant.
Coding change: c.52G>T on transcript NM_199420.4 (MANE Select); coding-DNA position 52, G replaced by T.
Protein change: p.Asp18Tyr; replaces aspartic acid 18 with tyrosine.
Molecular consequence: missense variant.
Genome position (GRCh38, 1-based): chr3:121,545,826, C>A on the plus strand (G>T on the coding strand, the complement: POLQ is on the minus strand). VCF-style: chr3-121545826-C-A. GRCh37 (hg19) VCF-style: chr3-121264673-C-A.
Other names: short protein forms D18Y.
Identifiers: ClinVar variation 2497193 (VCV002497193.2), dbSNP rs2546828739, ClinGen allele CA354097624.

ClinVar aggregate classification (germline): Uncertain significance (1 of 4 stars; one submission).

Submission:

Ambry Genetics
Classification: Uncertain significance. Last evaluated: 2023-01-17. Review status: criteria provided, single submitter. Criteria: Ambry Variant Classification Scheme 2023. Collection method: clinical testing. Allele origin: germline.
Comment: The p.D18Y variant (also known as c.52G>T), located in coding exon 1 of the POLQ gene, results from a G to T substitution at nucleotide position 52. The aspartic acid at codon 18 is replaced by tyrosine, an amino acid with highly dissimilar properties. This amino acid position is conserved. In addition, this alteration is predicted to be tolerated by in silico analysis. Since supporting evidence is limited at this time, the clinical significance of this alteration remains unclear.